The following is an entry in ClinVar:

ClinVar aggregate classification (germline): Pathogenic. Review status: criteria provided, multiple submitters, no conflicts (2 of 4 stars). 2 submissions from 2 submitters: Pathogenic (2). Last evaluated 2023-06-28.

Conditions:
Familial cancer of breast. Also called: BREAST CANCER, FAMILIAL; hereditary breast carcinoma; Hereditary breast cancer. Identifiers: Orphanet 227535, MedGen C0346153, MONDO:0016419, OMIM 114480. Disease mechanism: loss of function.

Submissions (2):

Myriad Genetics, Inc.
Classification: Pathogenic for Familial cancer of breast. Last evaluated: 2023-06-28. Review status: criteria provided, single submitter. Criteria: Myriad Autosomal Dominant, Autosomal Recessive and X-Linked Classification Criteria (2023). Collection method: clinical testing. Allele origin: unknown.
Comment: This variant is considered pathogenic. This variant creates a frameshift predicted to result in premature protein truncation.

Labcorp Genetics (formerly Invitae), Labcorp
Classification: Pathogenic for Familial cancer of breast. Last evaluated: 2017-02-10. Review status: criteria provided, single submitter. Criteria: Invitae Variant Classification Sherloc (09022015). Collection method: clinical testing. Allele origin: germline.
Comment: While this particular variant has not been reported in the literature, loss-of-function variants in CHEK2 are known to be pathogenic (PMID: 21876083, 24713400). This sequence change deletes 2 nucleotides from exon 12 of the CHEK2 mRNA (c.1298_1299delAA), causing a frameshift at codon 433. This creates a premature translational stop signal (p.Gln433Argfs*17) and is expected to result in an absent or disrupted protein product. For these reasons, this variant has been classified as Pathogenic.

Literature cited by the submitters: PubMed 21876083 (cited by Labcorp Genetics (formerly Invitae), Labcorp); PubMed 24713400 (cited by Labcorp Genetics (formerly Invitae), Labcorp).

NM_007194.4(CHEK2):c.1298_1299del (p.Gln433fs)

Gene: CHEK2 (checkpoint kinase 2; minus strand). Cytogenetic location: 22q12.1.
Variant type: Deletion.
Coding change: c.1298_1299del on transcript NM_007194.4 (MANE Select); coding-DNA positions 1298 to 1299, 2 bases deleted (AA; older notation c.1298_1299delAA).
Protein change: p.Gln433fs; shifts the reading frame from glutamine 433.
Molecular consequence: frameshift variant.
Genome position (GRCh38, 1-based): chr22:28,695,203-28,695,204, TT deleted on the plus strand (AA on the coding strand, the reverse complement: CHEK2 is on the minus strand). VCF-style (leftmost placement, unchanged base first): chr22-28695202-CTT-C. GRCh37 (hg19) VCF-style: chr22-29091190-CTT-C.
Other names: c.1427_1428delAA, p.Gln476Argfs (NM_001005735.3); c.635_636delAA, p.Gln212Argfs (NM_001257387.3); c.1097_1098delAA, p.Gln366Argfs (NM_001349956.3); c.1211_1212delAA, p.Gln404Argfs (NM_145862.3); short protein forms Q212fs, Q433fs, Q476fs, Q366fs, Q404fs.
Identifiers: ClinVar variation 460797 (VCV000460797.11), dbSNP rs1555913493, ClinGen allele CA658656822.